The following is an entry in ClinVar:

NM_001204.7(BMPR2):c.1077_1078del (p.Gly360fs)

Gene: BMPR2 (bone morphogenetic protein receptor type 2; plus strand). Cytogenetic location: 2q33.2.
Variant type: Deletion.
Coding change: c.1077_1078del on transcript NM_001204.7 (MANE Select); coding-DNA positions 1077 to 1078, 2 bases deleted (TG; older notation c.1077_1078delTG).
Protein change: p.Gly360fs; shifts the reading frame from glycine 360.
Molecular consequence: frameshift variant.
Genome position (GRCh38, 1-based): chr2:202,530,903-202,530,904, TG deleted. VCF-style (leftmost placement, unchanged base first): chr2-202530902-CTG-C. GRCh37 (hg19) VCF-style: chr2-203395625-CTG-C.
Other names: short protein forms G360fs.
Identifiers: ClinVar variation 811205 (VCV000811205.8), dbSNP rs1574493773, ClinGen allele CA915941650.

ClinVar aggregate classification (germline): Pathogenic (1 of 4 stars; one submission).

Submission:

ARUP Laboratories, Molecular Genetics and Genomics, ARUP Laboratories
Classification: Pathogenic. Last evaluated: 2018-11-15. Review status: criteria provided, single submitter. Criteria: ARUP Molecular Germline Variant Investigation Process. Collection method: clinical testing. Allele origin: germline.
Comment: The BMPR2 c.1077_1078delTG; p.Gly360fs variant, to our knowledge, is not reported in the medical literature or gene specific databases. This variant is also absent from general population databases (1000 Genomes Project, Exome Variant Server, and Genome Aggregation Database), indicating it is not a common polymorphism. The variant causes a premature stop codon, so it is predicted to result in a truncated protein or mRNA subject to nonsense-mediated decay. Truncations and other loss of function variants of BMPR2 have previously been associated with familial primary pulmonary hypertension (Machado 2015, Machado 2010). Based on available information, this variant is considered to be pathogenic. REFERENCES Machado et al. BMPR2 haploinsufficiency as the inherited molecular mechanism for primary pulmonary hypertension. Am J Hum Genet. 2001 Jan;68(1):92-102. Machado et al. Pulmonary Arterial Hypertension: A Current Perspective on Established and Emerging Molecular Genetic Defects. Hum Mutat. 2015 Dec;36(12):1113-27.